The following is an entry in ClinVar:

NM_004958.4(MTOR):c.5120G>A (p.Ser1707Asn)

Gene: MTOR (mechanistic target of rapamycin kinase; minus strand). Cytogenetic location: 1p36.22.
Variant type: single nucleotide variant.
Coding change: c.5120G>A on transcript NM_004958.4 (MANE Select); coding-DNA position 5120, G replaced by A.
Protein change: p.Ser1707Asn; replaces serine 1707 with asparagine.
Molecular consequence: missense variant.
Genome position (GRCh38, 1-based): chr1:11,139,314, C>T on the plus strand (G>A on the coding strand, the complement: MTOR is on the minus strand). VCF-style: chr1-11139314-C-T. GRCh37 (hg19) VCF-style: chr1-11199371-C-T.
Other names: c.5120G>A, p.Ser1707Asn (NM_001386500.1); c.3872G>A, p.Ser1291Asn (NM_001386501.1); short protein forms S1291N, S1707N.
Identifiers: ClinVar variation 1045625 (VCV001045625.8), dbSNP rs1643577433, ClinGen allele CA338401539.

ClinVar aggregate classification (germline): Uncertain significance (1 of 4 stars; one submission).

Submission:

Labcorp Genetics (formerly Invitae), Labcorp
Classification: Uncertain significance. Last evaluated: 2020-04-27. Review status: criteria provided, single submitter. Criteria: Invitae Variant Classification Sherloc (09022015). Collection method: clinical testing. Allele origin: germline.
Comment: This sequence change replaces serine with asparagine at codon 1707 of the MTOR protein (p.Ser1707Asn). The serine residue is moderately conserved and there is a small physicochemical difference between serine and asparagine. This variant is not present in population databases (ExAC no frequency). This variant has not been reported in the literature in individuals with MTOR-related conditions. Algorithms developed to predict the effect of missense changes on protein structure and function (SIFT, PolyPhen-2, Align-GVGD) all suggest that this variant is likely to be tolerated, but these predictions have not been confirmed by published functional studies and their clinical significance is uncertain. In summary, the available evidence is currently insufficient to determine the role of this variant in disease. Therefore, it has been classified as a Variant of Uncertain Significance.